The following is an entry in ClinVar:

NM_006361.6(HOXB13):c.117G>A (p.Ala39=)

Gene: HOXB13 (homeobox B13; minus strand). Cytogenetic location: 17q21.32.
Variant type: single nucleotide variant.
Coding change: c.117G>A on transcript NM_006361.6 (MANE Select); coding-DNA position 117, G replaced by A.
Protein change: p.Ala39=; no amino-acid change (alanine 39 retained).
Molecular consequence: synonymous variant.
Genome position (GRCh38, 1-based): chr17:48,728,477, C>T on the plus strand (G>A on the coding strand, the complement: HOXB13 is on the minus strand). VCF-style: chr17-48728477-C-T. GRCh37 (hg19) VCF-style: chr17-46805839-C-T.
Identifiers: ClinVar variation 1741843 (VCV001741843.3), dbSNP rs1597935062, ClinGen allele CA500502851.

ClinVar aggregate classification (germline): Benign/Likely benign. Review status: criteria provided, multiple submitters, no conflicts (2 of 4 stars). 2 submissions from 2 submitters: Benign (1); Likely benign (1). Last evaluated 2024-10-29.

Conditions:
Prostate cancer, hereditary, 9 (HPC9). Identifiers: Orphanet 1331, MedGen C1970250, MONDO:0012597, OMIM 610997.
Hereditary cancer-predisposing syndrome. Also called: Hereditary Cancer Syndrome; Hereditary neoplastic syndrome; Neoplastic Syndromes, Hereditary; Tumor predisposition. Identifiers: Orphanet 140162, MedGen C0027672, MeSH D009386, MONDO:0015356.

Submissions (2):

Myriad Genetics, Inc.
Classification: Benign for Prostate cancer, hereditary, 9. Last evaluated: 2024-10-29. Review status: criteria provided, single submitter. Criteria: Myriad Autosomal Dominant, Autosomal Recessive and X-Linked Classification Criteria (2023). Collection method: clinical testing. Allele origin: unknown.
Comment: This variant is considered benign. This variant is a silent/synonymous amino acid change and it is not expected to impact splicing.

Ambry Genetics
Classification: Likely benign for Hereditary cancer-predisposing syndrome. Last evaluated: 2021-03-03. Review status: criteria provided, single submitter. Criteria: Ambry Variant Classification Scheme 2023. Collection method: clinical testing. Allele origin: germline.